The following is an entry in ClinVar:

ClinVar aggregate classification (germline): Likely benign. Review status: criteria provided, multiple submitters, no conflicts (2 of 4 stars). 2 submissions from 2 submitters: Likely benign (2). Last evaluated 2026-03-25.

Conditions:
RPE65-related disorder. Also called: RPE65-related disorders; RPE65-related condition. Identifiers: MedGen CN239301.
Retinitis pigmentosa 20 (RP20). Identifiers: Orphanet 791, MedGen C3151086, MONDO:0013425, OMIM 613794.
Leber congenital amaurosis 2 (LCA2). Also called: Autosomal Recessive RPE65-Related Retinal Degeneration; AMAUROSIS CONGENITA OF LEBER II. Identifiers: Orphanet 65, MedGen C1859844, MONDO:0008765, OMIM 204100. Disease mechanism: loss of function.

Submissions (2):

PreventionGenetics, part of Exact Sciences
Classification: Likely benign for RPE65-related condition. Last evaluated: 2026-03-25. Review status: criteria provided, single submitter. Criteria: ACMG Guidelines, 2015. Collection method: clinical testing. Allele origin: germline.
Comment: This variant is classified as likely benign based on ACMG/AMP sequence variant interpretation guidelines (Richards et al. 2015 PMID: 25741868, with internal and published modifications).

Labcorp Genetics (formerly Invitae), Labcorp
Classification: Likely benign for Leber congenital amaurosis 2; Retinitis pigmentosa 20. Last evaluated: 2025-09-20. Review status: criteria provided, single submitter. Criteria: Invitae Variant Classification Sherloc (09022015). Collection method: clinical testing. Allele origin: germline.

NM_000329.3(RPE65):c.255C>T (p.Arg85=)

Gene: RPE65 (retinoid isomerohydrolase RPE65; minus strand). Cytogenetic location: 1p31.3.
Variant type: single nucleotide variant.
Coding change: c.255C>T on transcript NM_000329.3 (MANE Select); coding-DNA position 255, C replaced by T.
Protein change: p.Arg85=; no amino-acid change (arginine 85 retained).
Molecular consequence: synonymous variant. On other transcripts: 5 prime UTR variant (2), intron variant (1).
Genome position (GRCh38, 1-based): chr1:68,444,874, G>A on the plus strand (C>T on the coding strand, the complement: RPE65 is on the minus strand). VCF-style: chr1-68444874-G-A. GRCh37 (hg19) VCF-style: chr1-68910557-G-A.
Other names: c.255C>T (NM_000329.2); c.-22C>T (NM_001406856.1, NM_001406857.1); c.255C>T, p.Arg85= (NM_001406859.1, NM_001406860.1); c.246-202C>T (NM_001406853.1).
Identifiers: ClinVar variation 4787624 (VCV004787624.2).